The following is an entry in ClinVar:

NM_001267550.2(TTN):c.40788A>G (p.Glu13596=)

Gene: TTN (titin; minus strand). Cytogenetic location: 2q31.2.
Variant type: single nucleotide variant.
Coding change: c.40788A>G on transcript NM_001267550.2 (MANE Select); coding-DNA position 40788, A replaced by G.
Protein change: p.Glu13596=; no amino-acid change (glutamic acid 13596 retained).
Molecular consequence: synonymous variant.
Genome position (GRCh38, 1-based): chr2:178,639,787, T>C on the plus strand (A>G on the coding strand, the complement: TTN is on the minus strand). VCF-style: chr2-178639787-T-C. GRCh37 (hg19) VCF-style: chr2-179504514-T-C.
Other names: c.35865A>G, p.Glu11955= (NM_001256850.1); c.13593A>G, p.Glu4531= (NM_003319.4); c.33084A>G, p.Glu11028= (NM_133378.4); c.13968A>G, p.Glu4656= (NM_133432.3); c.14169A>G, p.Glu4723= (NM_133437.4).
Identifiers: ClinVar variation 282878 (VCV000282878.7), dbSNP rs886042511, ClinGen allele CA10604332.
Genomic context (GRCh38, chr2:178,639,787, plus strand): 5'-TACTGGGGCAGCGATGGGGGTTGGTTCAGGTTCCACAGGAGGTGGTTTGATTGTTTTCAC[T>C]TCTGTAGAGAGAAGTCCATTGCATTAGTGTATCAATTTGTCACTTCCTAAAAACTTATTT-3'
Protein context (NP_001254479.2, residues 13586-13606): APEPKPKPEA[Glu13596=]VKTIKPPPVE

ClinVar aggregate classification (germline): Conflicting classifications of pathogenicity. Review status: criteria provided, conflicting classifications (1 of 4 stars). 2 submissions from 2 submitters: Uncertain significance (1); Likely benign (1). Last evaluated 2018-05-08.

Allele frequency attached by ClinVar (database versions not stated): gnomAD exomes below 0.00001.
gnomAD v4.1: 2 of 1,584,766 alleles (0.00013%); highest among the groups gnomAD compares: Non-Finnish European, 0.000086%; no homozygotes.

Submissions (2):

GeneDx
Classification: Likely benign. Last evaluated: 2018-05-08. Review status: criteria provided, single submitter. Criteria: GeneDx Variant Classification (06012015). Collection method: clinical testing. Allele origin: germline. Affected: yes.
Comment: This variant is considered likely benign or benign based on one or more of the following criteria: it is a conservative change, it occurs at a poorly conserved position in the protein, it is predicted to be benign by multiple in silico algorithms, and/or has population frequency not consistent with disease.

Eurofins Ntd Llc (ga)
Classification: Uncertain significance. Last evaluated: 2015-08-24. Review status: criteria provided, single submitter. Criteria: EGL Classification Definitions 2015. Collection method: clinical testing. Allele origin: germline. Observed: 1 variant allele, 1 heterozygote.